The following is an entry in ClinVar:

NM_000302.4(PLOD1):c.950A>G (p.His317Arg)

Gene: PLOD1 (procollagen-lysine,2-oxoglutarate 5-dioxygenase 1; plus strand). Cytogenetic location: 1p36.22.
Variant type: single nucleotide variant.
Coding change: c.950A>G on transcript NM_000302.4 (MANE Select); coding-DNA position 950, A replaced by G.
Protein change: p.His317Arg; replaces histidine 317 with arginine.
Molecular consequence: missense variant.
Genome position (GRCh38, 1-based): chr1:11,958,622, A>G. VCF-style: chr1-11958622-A-G. GRCh37 (hg19) VCF-style: chr1-12018679-A-G.
Other names: c.1091A>G, p.His364Arg (NM_001316320.2); short protein forms H317R, H364R.
Identifiers: ClinVar variation 3651979 (VCV003651979.2).

ClinVar aggregate classification (germline): Uncertain significance (1 of 4 stars; one submission).

Conditions:
Ehlers-Danlos syndrome, kyphoscoliotic type 1 (EDSKSCL1). Also called: EHLERS-DANLOS SYNDROME, TYPE VIA; Ehlers-Danlos syndrome, hydroxylysine-deficient; EHLERS-DANLOS SYNDROME, OCULAR-SCOLIOTIC TYPE; PLOD1-Related Kyphoscoliotic Ehlers-Danlos Syndrome. Identifiers: Orphanet 1900, MedGen C0268342, MONDO:0016002, OMIM 225400. Disease mechanism: loss of function.

Submission:

Labcorp Genetics (formerly Invitae), Labcorp
Classification: Uncertain significance for Ehlers-Danlos syndrome, kyphoscoliotic type 1. Last evaluated: 2024-05-02. Review status: criteria provided, single submitter. Criteria: Invitae Variant Classification Sherloc (09022015). Collection method: clinical testing. Allele origin: germline.
Comment: This sequence change replaces histidine, which is basic and polar, with arginine, which is basic and polar, at codon 317 of the PLOD1 protein (p.His317Arg). This variant is not present in population databases (gnomAD no frequency). This variant has not been reported in the literature in individuals affected with PLOD1-related conditions. Advanced modeling of protein sequence and biophysical properties (such as structural, functional, and spatial information, amino acid conservation, physicochemical variation, residue mobility, and thermodynamic stability) performed at Invitae indicates that this missense variant is not expected to disrupt PLOD1 protein function with a negative predictive value of 80%. In summary, the available evidence is currently insufficient to determine the role of this variant in disease. Therefore, it has been classified as a Variant of Uncertain Significance.